The following is an entry in ClinVar:

NM_000179.3(MSH6):c.1094G>C (p.Trp365Ser)

Gene: MSH6 (mutS homolog 6; plus strand). Cytogenetic location: 2p16.3.
Variant type: single nucleotide variant.
Coding change: c.1094G>C on transcript NM_000179.3 (MANE Select); coding-DNA position 1094, G replaced by C.
Protein change: p.Trp365Ser; replaces tryptophan 365 with serine.
Molecular consequence: missense variant.
Genome position (GRCh38, 1-based): chr2:47,799,077, G>C. VCF-style: chr2-47799077-G-C. GRCh37 (hg19) VCF-style: chr2-48026216-G-C.
Other names: c.704G>C, p.Trp235Ser (NM_001281492.2); c.188G>C, p.Trp63Ser (NM_001281493.2, NM_001281494.2); short protein forms W365S, W235S, W63S.
Identifiers: ClinVar variation 132771 (VCV000132771.16), dbSNP rs587780558, ClinGen allele CA008009.

ClinVar aggregate classification (germline): Uncertain significance. Review status: criteria provided, multiple submitters, no conflicts (2 of 4 stars). 3 submissions from 3 submitters: Uncertain significance (3). Last evaluated 2023-07-14.

Conditions:
Hereditary nonpolyposis colorectal neoplasms. Identifiers: MedGen C0009405, MeSH D003123.
Hereditary cancer-predisposing syndrome. Also called: Tumor predisposition; Hereditary neoplastic syndrome; Neoplastic Syndromes, Hereditary; Hereditary Cancer Syndrome. Identifiers: Orphanet 140162, MedGen C0027672, MeSH D009386, MONDO:0015356.
Endometrial carcinoma. Also called: Endometrial carcinoma, somatic. Identifiers: MedGen C0476089, MONDO:0002447, OMIM 608089, HP:0012114.

Allele frequency attached by ClinVar (database versions not stated): gnomAD exomes below 0.00001.
gnomAD v4.1: 2 of 1,614,070 alleles (0.00012%); highest among the groups gnomAD compares: Non-Finnish European, 0.00017%; no homozygotes.

Submissions (3):

Labcorp Genetics (formerly Invitae), Labcorp
Classification: Uncertain significance for Hereditary nonpolyposis colorectal neoplasms. Last evaluated: 2023-07-14. Review status: criteria provided, single submitter. Criteria: Invitae Variant Classification Sherloc (09022015). Collection method: clinical testing. Allele origin: germline.
Comment: In summary, the available evidence is currently insufficient to determine the role of this variant in disease. Therefore, it has been classified as a Variant of Uncertain Significance. Advanced modeling of protein sequence and biophysical properties (such as structural, functional, and spatial information, amino acid conservation, physicochemical variation, residue mobility, and thermodynamic stability) has been performed at Invitae for this missense variant, however the output from this modeling did not meet the statistical confidence thresholds required to predict the impact of this variant on MSH6 protein function. ClinVar contains an entry for this variant (Variation ID: 132771). This variant has not been reported in the literature in individuals affected with MSH6-related conditions. This variant is not present in population databases (gnomAD no frequency). This sequence change replaces tryptophan, which is neutral and slightly polar, with serine, which is neutral and polar, at codon 365 of the MSH6 protein (p.Trp365Ser).

Baylor Genetics
Classification: Uncertain significance for Endometrial carcinoma. Last evaluated: 2023-06-13. Review status: criteria provided, single submitter. Criteria: ACMG Guidelines, 2015. Collection method: clinical testing. Allele origin: unknown.

Ambry Genetics
Classification: Uncertain significance for Hereditary cancer-predisposing syndrome. Last evaluated: 2021-04-23. Review status: criteria provided, single submitter. Criteria: Ambry Variant Classification Scheme 2023. Collection method: clinical testing. Allele origin: germline.
Comment: The p.W365S variant (also known as c.1094G>C), located in coding exon 4 of the MSH6 gene, results from a G to C substitution at nucleotide position 1094. The tryptophan at codon 365 is replaced by serine, an amino acid with highly dissimilar properties. This amino acid position is highly conserved in available vertebrate species. In addition, this alteration is predicted to be deleterious by in silico analysis. Since supporting evidence is limited at this time, the clinical significance of this alteration remains unclear.